The following is an entry in ClinVar:

NM_030777.4(SLC2A10):c.1448G>A (p.Gly483Glu)

Gene: SLC2A10 (solute carrier family 2 member 10; plus strand). Cytogenetic location: 20q13.12.
Variant type: single nucleotide variant.
Coding change: c.1448G>A on transcript NM_030777.4 (MANE Select); coding-DNA position 1448, G replaced by A.
Protein change: p.Gly483Glu; replaces glycine 483 with glutamic acid.
Molecular consequence: missense variant.
Genome position (GRCh38, 1-based): chr20:46,729,389, G>A. VCF-style: chr20-46729389-G-A. GRCh37 (hg19) VCF-style: chr20-45358028-G-A.
Other names: short protein forms G483E.
Identifiers: ClinVar variation 2011869 (VCV002011869.4), dbSNP rs1980151023, ClinGen allele CA409273203.
Genomic context (GRCh38, chr20:46,729,389, plus strand): 5'-ACACTCCCGCCCTCCTGTTTCCAGGCACCATCGGCTTGTCCTGGACCTTCCTGCTCTACG[G>A]ACTGACCGCTGTCCTCGGCCTGGGCTTCATCTATTTATTTGTTCCTGAAACAAAAGGCCA-3'
Protein context (NP_110404.1, residues 473-493): IGLSWTFLLY[Gly483Glu]LTAVLGLGFI

ClinVar aggregate classification (germline): Uncertain significance (1 of 4 stars; one submission).

Conditions:
Arterial tortuosity syndrome (ATORS). Identifiers: Orphanet 3342, MedGen C1859726, MONDO:0008818, OMIM 208050.

Submission:

Labcorp Genetics (formerly Invitae), Labcorp
Classification: Uncertain significance for Arterial tortuosity syndrome. Last evaluated: 2022-06-28. Review status: criteria provided, single submitter. Criteria: Invitae Variant Classification Sherloc (09022015). Collection method: clinical testing. Allele origin: germline.
Comment: Advanced modeling of protein sequence and biophysical properties (such as structural, functional, and spatial information, amino acid conservation, physicochemical variation, residue mobility, and thermodynamic stability) performed at Invitae indicates that this missense variant is expected to disrupt SLC2A10 protein function. This variant has not been reported in the literature in individuals affected with SLC2A10-related conditions. This variant is not present in population databases (gnomAD no frequency). This sequence change replaces glycine, which is neutral and non-polar, with glutamic acid, which is acidic and polar, at codon 483 of the SLC2A10 protein (p.Gly483Glu). In summary, the available evidence is currently insufficient to determine the role of this variant in disease. Therefore, it has been classified as a Variant of Uncertain Significance.